The following is an entry in ClinVar:

ClinVar aggregate classification (germline): Uncertain significance. Review status: criteria provided, multiple submitters, no conflicts (2 of 4 stars). 4 submissions from 4 submitters: Uncertain significance (4). Last evaluated 2024-12-30.

Conditions:
Retinal dystrophy. Also called: Inherited retinal dystrophy. Identifiers: Orphanet 71862, MedGen C0854723, MeSH D058499, MONDO:0019118, HP:0000556.
Retinitis pigmentosa 19 (RP19). Also called: ABCA4-Related Retinitis Pigmentosa. Identifiers: Orphanet 791, MedGen C1866422, MONDO:0011137, OMIM 601718.
Cone-rod dystrophy 3 (CORD3). Identifiers: Orphanet 1872, MedGen C1858806, MONDO:0011395, OMIM 604116.
Age related macular degeneration 2. Also called: MACULOPATHY, AGE-RELATED; MACULAR DEGENERATION, SENILE; MACULOPATHY, AGE-RELATED, 2. Identifiers: MedGen C3495438, MONDO:0007932, OMIM 153800.
Severe early-childhood-onset retinal dystrophy (STGD1). Also called: STGD; Stargardt macular dystrophy; Juvenile onset macular degeneration; Stargardt disease 1; MACULAR DYSTROPHY WITH FLECKS, TYPE 1. Identifiers: Orphanet 364055, Orphanet 827, MedGen C1855465, MeSH D000080362, MONDO:0009549, OMIM 248200.

Allele frequency attached by ClinVar (database versions not stated): gnomAD exomes 0.00001; ExAC 0.00001; TOPMed 0.00005; gnomAD 0.00002 and 0.00004; ESP Exome Variant Server 0.00008.
gnomAD v4.1: 27 of 1,614,084 alleles (0.0017%); highest among the groups gnomAD compares: Middle Eastern, 0.016%; no homozygotes.

Submissions (4):

Labcorp Genetics (formerly Invitae), Labcorp
Classification: Uncertain significance. Last evaluated: 2024-12-30. Review status: criteria provided, single submitter. Criteria: Invitae Variant Classification Sherloc (09022015). Collection method: clinical testing. Allele origin: germline.
Comment: This sequence change replaces valine, which is neutral and non-polar, with leucine, which is neutral and non-polar, at codon 256 of the ABCA4 protein (p.Val256Leu). This variant is present in population databases (rs374851665, gnomAD 0.0009%). This missense change has been observed in individual(s) with retinitis pigmentosa (PMID: 25097241). ClinVar contains an entry for this variant (Variation ID: 968588). An algorithm developed to predict the effect of missense changes on protein structure and function outputs the following: PolyPhen-2: "Benign". The leucine amino acid residue is found in multiple mammalian species, which suggests that this missense change does not adversely affect protein function. In summary, the available evidence is currently insufficient to determine the role of this variant in disease. Therefore, it has been classified as a Variant of Uncertain Significance.

Blueprint Genetics
Classification: Uncertain significance. Last evaluated: 2022-07-14. Review status: criteria provided, single submitter. Criteria: ACMG Guidelines, 2015. Collection method: clinical testing. Allele origin: germline.

Fulgent Genetics
Classification: Uncertain significance for Age related macular degeneration 2; Severe early-childhood-onset retinal dystrophy; Retinitis pigmentosa 19; Cone-rod dystrophy 3. Last evaluated: 2021-10-12. Review status: criteria provided, single submitter. Criteria: ACMG Guidelines, 2015. Collection method: clinical testing. Allele origin: unknown.

Institute of Human Genetics, Univ. Regensburg, Univ. Regensburg
Classification: Uncertain significance for Retinal dystrophy. Last evaluated: 2020-01-01. Review status: criteria provided, single submitter. Criteria: ACMG Guidelines, 2015. Collection method: clinical testing. Allele origin: germline. Affected: yes.

Literature cited by the submitters: PubMed 25097241 (cited by Labcorp Genetics (formerly Invitae), Labcorp and Institute of Human Genetics, Univ. Regensburg, Univ. Regensburg); PubMed 3196484 (cited by Institute of Human Genetics, Univ. Regensburg, Univ. Regensburg).

NM_000350.3(ABCA4):c.766G>T (p.Val256Leu)

Gene: ABCA4 (ATP binding cassette subfamily A member 4; minus strand). Cytogenetic location: 1p22.1.
Variant type: single nucleotide variant.
Coding change: c.766G>T on transcript NM_000350.3 (MANE Select); coding-DNA position 766, G replaced by T.
Protein change: p.Val256Leu; replaces valine 256 with leucine.
Molecular consequence: missense variant.
Genome position (GRCh38, 1-based): chr1:94,098,796, C>A on the plus strand (G>T on the coding strand, the complement: ABCA4 is on the minus strand). VCF-style: chr1-94098796-C-A. GRCh37 (hg19) VCF-style: chr1-94564352-C-A.
Other names: c.766G>T, p.Val256Leu (NM_001425324.1); short protein forms V256L.
Identifiers: ClinVar variation 968588 (VCV000968588.9), dbSNP rs374851665, ClinGen allele CA958751.